The following is an entry in ClinVar:

ClinVar aggregate classification (germline): Uncertain significance (1 of 4 stars; one submission).

Conditions:
Hereditary spastic paraplegia 3A (SPG3A). Also called: Spastic Paraplegia 3A; Spastic paraplegia 3A, autosomal dominant; SPASTIC PARAPLEGIA 3, AUTOSOMAL DOMINANT; FAMILIAL SPASTIC PARAPLEGIA, AUTOSOMAL DOMINANT, 1; SPG3; STRUMPELL DISEASE. Identifiers: Orphanet 100984, MedGen C2931355, MONDO:0008437, OMIM 182600.

Allele frequency attached by ClinVar (database versions not stated): gnomAD exomes below 0.00001; gnomAD 0.00001; TOPMed 0.00001.
gnomAD v4.1: 3 of 1,614,056 alleles (0.00019%); highest among the groups gnomAD compares: Admixed American, 0.0017%; no homozygotes.

Submission:

Labcorp Genetics (formerly Invitae), Labcorp
Classification: Uncertain significance for Hereditary spastic paraplegia 3A. Last evaluated: 2025-06-04. Review status: criteria provided, single submitter. Criteria: Invitae Variant Classification Sherloc (09022015). Collection method: clinical testing. Allele origin: germline.
Comment: This sequence change replaces arginine, which is basic and polar, with glutamine, which is neutral and polar, at codon 403 of the ATL1 protein (p.Arg403Gln). This variant is present in population databases (no rsID available, gnomAD no frequency). This variant has not been reported in the literature in individuals affected with ATL1-related conditions. ClinVar contains an entry for this variant (Variation ID: 1980592). Invitae Evidence Modeling of protein sequence and biophysical properties (such as structural, functional, and spatial information, amino acid conservation, physicochemical variation, residue mobility, and thermodynamic stability) has been performed for this missense variant. However, the output from this modeling did not meet the statistical confidence thresholds required to predict the impact of this variant on ATL1 protein function. This variant disrupts the p.Arg403 amino acid residue in ATL1. Other variant(s) that disrupt this residue have been determined to be pathogenic (PMID: 30008475). This suggests that this residue is clinically significant, and that variants that disrupt this residue are likely to be disease-causing. In summary, the available evidence is currently insufficient to determine the role of this variant in disease. Therefore, it has been classified as a Variant of Uncertain Significance.

Literature cited by the submitters: PubMed 30008475.

NM_015915.5(ATL1):c.1208G>A (p.Arg403Gln)

Gene: ATL1 (atlastin GTPase 1; plus strand). Cytogenetic location: 14q22.1.
Variant type: single nucleotide variant.
Coding change: c.1208G>A on transcript NM_015915.5 (MANE Select); coding-DNA position 1208, G replaced by A.
Protein change: p.Arg403Gln; replaces arginine 403 with glutamine.
Molecular consequence: missense variant.
Genome position (GRCh38, 1-based): chr14:50,628,119, G>A. VCF-style: chr14-50628119-G-A. GRCh37 (hg19) VCF-style: chr14-51094837-G-A.
Other names: c.1208G>A, p.Arg403Gln (NM_001127713.1, NM_181598.4); short protein forms R403Q.
Identifiers: ClinVar variation 1980592 (VCV001980592.4), dbSNP rs972161717, ClinGen allele CA260794623.